The following is an entry in ClinVar:

NM_015378.4(VPS13D):c.10963A>G (p.Met3655Val)

Gene: VPS13D (vacuolar protein sorting 13 homolog D; plus strand). Cytogenetic location: 1p36.22.
Variant type: single nucleotide variant.
Coding change: c.10963A>G on transcript NM_015378.4 (MANE Select); coding-DNA position 10963, A replaced by G.
Protein change: p.Met3655Val; replaces methionine 3655 with valine.
Molecular consequence: missense variant.
Genome position (GRCh38, 1-based): chr1:12,378,473, A>G. VCF-style: chr1-12378473-A-G. GRCh37 (hg19) VCF-style: chr1-12438527-A-G.
Other names: c.10888A>G, p.Met3630Val (NM_018156.4); short protein forms M3655V, M3630V.
Identifiers: ClinVar variation 2001271 (VCV002001271.4), dbSNP rs1644231279, ClinGen allele CA338499742.

ClinVar aggregate classification (germline): Uncertain significance (1 of 4 stars; one submission).

Submission:

Labcorp Genetics (formerly Invitae), Labcorp
Classification: Uncertain significance. Last evaluated: 2022-05-30. Review status: criteria provided, single submitter. Criteria: Invitae Variant Classification Sherloc (09022015). Collection method: clinical testing. Allele origin: germline.
Comment: This sequence change replaces methionine, which is neutral and non-polar, with valine, which is neutral and non-polar, at codon 3655 of the VPS13D protein (p.Met3655Val). This variant is not present in population databases (gnomAD no frequency). This variant has not been reported in the literature in individuals affected with VPS13D-related conditions. Algorithms developed to predict the effect of missense changes on protein structure and function are either unavailable or do not agree on the potential impact of this missense change (SIFT: "Not Available"; PolyPhen-2: "Benign"; Align-GVGD: "Not Available"). In summary, the available evidence is currently insufficient to determine the role of this variant in disease. Therefore, it has been classified as a Variant of Uncertain Significance.